The following is an entry in ClinVar:

ClinVar aggregate classification (germline): Uncertain significance (1 of 4 stars; one submission).

Allele frequency attached by ClinVar (database versions not stated): gnomAD exomes below 0.00001; ExAC 0.00002; TOPMed 0.00002; gnomAD 0.00003; ESP Exome Variant Server 0.00008.
gnomAD v4.1: 6 of 1,604,298 alleles (0.00037%); highest among the groups gnomAD compares: African/African-American, 0.008%; no homozygotes.

Submission:

Labcorp Genetics (formerly Invitae), Labcorp
Classification: Uncertain significance. Last evaluated: 2024-05-06. Review status: criteria provided, single submitter. Criteria: Invitae Variant Classification Sherloc (09022015). Collection method: clinical testing. Allele origin: germline.
Comment: This sequence change replaces lysine, which is basic and polar, with arginine, which is basic and polar, at codon 847 of the AP3D1 protein (p.Lys847Arg). This variant is present in population databases (rs373921996, gnomAD 0.01%). This variant has not been reported in the literature in individuals affected with AP3D1-related conditions. ClinVar contains an entry for this variant (Variation ID: 1956627). An algorithm developed to predict the effect of missense changes on protein structure and function (PolyPhen-2) suggests that this variant is likely to be tolerated. In summary, the available evidence is currently insufficient to determine the role of this variant in disease. Therefore, it has been classified as a Variant of Uncertain Significance.

NM_001261826.3(AP3D1):c.2540A>G (p.Lys847Arg)

Gene: AP3D1 (adaptor related protein complex 3 subunit delta 1; minus strand). Cytogenetic location: 19p13.3.
Variant type: single nucleotide variant.
Coding change: c.2540A>G on transcript NM_001261826.3 (MANE Select); coding-DNA position 2540, A replaced by G.
Protein change: p.Lys847Arg; replaces lysine 847 with arginine.
Molecular consequence: missense variant.
Genome position (GRCh38, 1-based): chr19:2,114,186, T>C on the plus strand (A>G on the coding strand, the complement: AP3D1 is on the minus strand). VCF-style: chr19-2114186-T-C. GRCh37 (hg19) VCF-style: chr19-2114185-T-C.
Other names: c.2540A>G, p.Lys847Arg (NM_001374799.1, NM_003938.8); short protein forms K847R.
Identifiers: ClinVar variation 1956627 (VCV001956627.5), dbSNP rs373921996, ClinGen allele CA9058822.